The following is an entry in ClinVar:

ClinVar aggregate classification (germline): Uncertain significance (1 of 4 stars; one submission).

Submission:

Labcorp Genetics (formerly Invitae), Labcorp
Classification: Uncertain significance. Last evaluated: 2023-10-27. Review status: criteria provided, single submitter. Criteria: Invitae Variant Classification Sherloc (09022015). Collection method: clinical testing. Allele origin: germline.
Comment: This variant, c.845_847del, results in the deletion of 1 amino acid(s) of the TNS2 protein (p.Val282del), but otherwise preserves the integrity of the reading frame. This variant is not present in population databases (gnomAD no frequency). This variant has not been reported in the literature in individuals affected with TNS2-related conditions. Experimental studies and prediction algorithms are not available or were not evaluated, and the functional significance of this variant is currently unknown. In summary, the available evidence is currently insufficient to determine the role of this variant in disease. Therefore, it has been classified as a Variant of Uncertain Significance.

NM_170754.4(TNS2):c.815_817del (p.Val272del)

Gene: TNS2 (tensin 2; plus strand). Cytogenetic location: 12q13.13.
Variant type: Deletion.
Coding change: c.815_817del on transcript NM_170754.4 (MANE Select); coding-DNA positions 815 to 817, 3 bases deleted (TGG; older notation c.815_817delTGG).
Protein change: p.Val272del; deletes valine 272.
Molecular consequence: inframe deletion.
Genome position (GRCh38, 1-based): chr12:53,057,066-53,057,068, TGG deleted; deleting any 3 consecutive bases within chr12:53,057,064-53,057,068 gives the same sequence; the c. name uses the placement nearest the transcript's 3' end. VCF-style (leftmost placement, unchanged base first): chr12-53057063-AGGT-A. GRCh37 (hg19) VCF-style: chr12-53450847-AGGT-A.
Other names: c.815_817del, p.Val272del (NM_001416202.1, NM_001416204.1); c.746_748del, p.Val249del (NM_001416203.1, NM_015319.3); c.443_445del, p.Val148del (NM_198316.2); short protein forms V249del, V148del, V272del.
Identifiers: ClinVar variation 2781624 (VCV002781624.3), dbSNP rs2539635689, ClinGen allele CA2618989990.